The following is an entry in ClinVar:

NM_001040105.2(MUC17):c.3830G>T (p.Ser1277Ile)

Gene: MUC17 (mucin 17, cell surface associated; plus strand). Cytogenetic location: 7q22.1.
Variant type: single nucleotide variant.
Coding change: c.3830G>T on transcript NM_001040105.2 (MANE Select); coding-DNA position 3830, G replaced by T.
Protein change: p.Ser1277Ile; replaces serine 1277 with isoleucine.
Molecular consequence: missense variant. On other transcripts: non-coding transcript variant (1).
Genome position (GRCh38, 1-based): chr7:101,035,246, G>T. VCF-style: chr7-101035246-G-T. GRCh37 (hg19) VCF-style: chr7-100678527-G-T.
Other names: short protein forms S1277I.
Identifiers: ClinVar variation 1270896 (VCV001270896.2), dbSNP rs73402889, ClinGen allele CA4401879.

ClinVar aggregate classification (germline): Benign. Review status: criteria provided, multiple submitters, no conflicts (2 of 4 stars). 2 submissions from 2 submitters: Benign (2). Last evaluated 2020-04-29.

Allele frequency attached by ClinVar (database versions not stated): gnomAD exomes 0.04871 and 0.05560; ESP Exome Variant Server 0.09626; ExAC 0.10167; 1000 Genomes Project 30x 0.10993; gnomAD 0.11446 and 0.11657.
gnomAD v4.1: 81,359 of 1,452,100 alleles (5.6%); highest among the groups gnomAD compares: African/African-American, 13%; no homozygotes.

Submissions (2):

GeneDx
Classification: Benign. Last evaluated: 2020-04-29. Review status: criteria provided, single submitter. Criteria: GeneDx Variant Classification Process June 2021. Collection method: clinical testing. Allele origin: germline. Affected: yes.
Comment: This variant is associated with the following publications: (PMID: 31620175)

Breakthrough Genomics
Classification: Benign. Review status: criteria provided, single submitter. Criteria: ACMG Guidelines, 2015. Collection method: not provided. Allele origin: germline. Inheritance: Unknown mechanism. Affected: yes.